The following is an entry in ClinVar:

NM_020778.5(ALPK3):c.365G>C (p.Gly122Ala)

Gene: ALPK3 (alpha kinase 3; plus strand). Cytogenetic location: 15q25.3.
Variant type: single nucleotide variant.
Coding change: c.365G>C on transcript NM_020778.5 (MANE Select); coding-DNA position 365, G replaced by C.
Protein change: p.Gly122Ala; replaces glycine 122 with alanine.
Molecular consequence: missense variant.
Genome position (GRCh38, 1-based): chr15:84,839,040, G>C. VCF-style: chr15-84839040-G-C. GRCh37 (hg19) VCF-style: chr15-85382271-G-C.
Other names: short protein forms G122A.
Identifiers: ClinVar variation 5036463 (VCV005036463.1).

ClinVar aggregate classification (germline): Uncertain significance (1 of 4 stars; one submission).

Conditions:
Cardiovascular phenotype. Identifiers: MedGen CN230736.

Submission:

Ambry Genetics
Classification: Uncertain significance for Cardiovascular phenotype. Last evaluated: 2026-07-10. Review status: criteria provided, single submitter. Criteria: Ambry Variant Classification Scheme 2023. Collection method: clinical testing. Allele origin: germline.
Comment: The p.G324A variant (also known as c.971G>C), located in coding exon 4 of the ALPK3 gene, results from a G to C substitution at nucleotide position 971. The glycine at codon 324 is replaced by alanine, an amino acid with similar properties. This amino acid position is conserved. In addition, this alteration is predicted to be tolerated by in silico analysis. Based on the available evidence, the clinical significance of this variant remains unclear.